The following is an entry in ClinVar:

NM_000702.4(ATP1A2):c.2116-14_2116-13delinsAA

Gene: ATP1A2 (ATPase Na+/K+ transporting subunit alpha 2; plus strand). Cytogenetic location: 1q23.2.
Variant type: Indel.
Coding change: c.2116-14_2116-13delinsAA on transcript NM_000702.4 (MANE Select); 14 bases into the intron before coding-DNA position 2116 through 13 bases into the intron before coding-DNA position 2116, CG replaced by AA.
Molecular consequence: intron variant.
Genome position (GRCh38, 1-based): chr1:160,135,420-160,135,421, CG replaced by AA. VCF-style: chr1-160135420-CG-AA. GRCh37 (hg19) VCF-style: chr1-160105210-CG-AA.
Identifiers: ClinVar variation 2712465 (VCV002712465.3), dbSNP rs2524886791, ClinGen allele CA2697554610.

ClinVar aggregate classification (germline): Uncertain significance (1 of 4 stars; one submission).

Conditions:
Familial hemiplegic migraine. Identifiers: MedGen C0338484, MONDO:0000700.

Submission:

Labcorp Genetics (formerly Invitae), Labcorp
Classification: Uncertain significance for Familial hemiplegic migraine. Last evaluated: 2024-06-17. Review status: criteria provided, single submitter. Criteria: Invitae Variant Classification Sherloc (09022015). Collection method: clinical testing. Allele origin: germline.
Comment: This sequence change falls in intron 15 of the ATP1A2 gene. It does not directly change the encoded amino acid sequence of the ATP1A2 protein. Information on the frequency of this variant in the gnomAD database is not available, as this variant may be reported differently in the database. This variant has not been reported in the literature in individuals affected with ATP1A2-related conditions. Experimental studies and prediction algorithms are not available or were not evaluated, and the effect of this variant on mRNA splicing is currently unknown. In summary, the available evidence is currently insufficient to determine the role of this variant in disease. Therefore, it has been classified as a Variant of Uncertain Significance.